The following is an entry in ClinVar:

NM_002439.5(MSH3):c.3091G>T (p.Gly1031Ter)

Gene: MSH3 (mutS homolog 3; plus strand). Cytogenetic location: 5q14.1.
Variant type: single nucleotide variant.
Coding change: c.3091G>T on transcript NM_002439.5 (MANE Select); coding-DNA position 3091, G replaced by T.
Protein change: p.Gly1031Ter; replaces glycine 1031 with a stop codon.
Molecular consequence: nonsense.
Genome position (GRCh38, 1-based): chr5:80,864,903, G>T. VCF-style: chr5-80864903-G-T. GRCh37 (hg19) VCF-style: chr5-80160722-G-T.
Other names: short protein forms G1031*.
Identifiers: ClinVar variation 4713081 (VCV004713081.1).

ClinVar aggregate classification (germline): Pathogenic (1 of 4 stars; one submission).

Submission:

Labcorp Genetics (formerly Invitae), Labcorp
Classification: Pathogenic. Last evaluated: 2025-02-15. Review status: criteria provided, single submitter. Criteria: Invitae Variant Classification Sherloc (09022015). Collection method: clinical testing. Allele origin: germline.
Comment: This sequence change creates a premature translational stop signal (p.Gly1031*) in the MSH3 gene. It is expected to result in an absent or disrupted protein product. Loss-of-function variants in MSH3 are known to be pathogenic (PMID: 27476653, 37402566). This variant is not present in population databases (gnomAD no frequency). This variant has not been reported in the literature in individuals affected with MSH3-related conditions. For these reasons, this variant has been classified as Pathogenic.

Literature cited by the submitters: PubMed 27476653; PubMed 37402566.